The following is an entry in ClinVar:

NM_014000.3(VCL):c.1791T>A (p.Asp597Glu)

Gene: VCL (vinculin; plus strand). Cytogenetic location: 10q22.2.
Variant type: single nucleotide variant.
Coding change: c.1791T>A on transcript NM_014000.3 (MANE Select); coding-DNA position 1791, T replaced by A.
Protein change: p.Asp597Glu; replaces aspartic acid 597 with glutamic acid.
Molecular consequence: missense variant.
Genome position (GRCh38, 1-based): chr10:74,097,251, T>A. VCF-style: chr10-74097251-T-A. GRCh37 (hg19) VCF-style: chr10-75857009-T-A.
Other names: c.1791T>A, p.Asp597Glu (NM_003373.4); short protein forms D597E.
Identifiers: ClinVar variation 1305093 (VCV001305093.7), dbSNP rs1839983396, ClinGen allele CA377276609.

ClinVar aggregate classification (germline): Uncertain significance. Review status: criteria provided, multiple submitters, no conflicts (2 of 4 stars). 3 submissions from 3 submitters: Uncertain significance (3). Last evaluated 2024-07-15.

Conditions:
Cardiovascular phenotype. Identifiers: MedGen CN230736.
Dilated cardiomyopathy 1W (CMD1W). Identifiers: Orphanet 154, MedGen C1969639, MONDO:0012667, OMIM 611407.

Allele frequency attached by ClinVar (database versions not stated): gnomAD exomes below 0.00001; TOPMed 0.00001.
gnomAD v4.1: 1 of 1,614,130 alleles (0.000062%); highest among the groups gnomAD compares: Non-Finnish European, 0.000085%; no homozygotes.

Submissions (3):

Labcorp Genetics (formerly Invitae), Labcorp
Classification: Uncertain significance for Dilated cardiomyopathy 1W. Last evaluated: 2024-07-15. Review status: criteria provided, single submitter. Criteria: Invitae Variant Classification Sherloc (09022015). Collection method: clinical testing. Allele origin: germline.
Comment: This sequence change replaces aspartic acid, which is acidic and polar, with glutamic acid, which is acidic and polar, at codon 597 of the VCL protein (p.Asp597Glu). This variant is not present in population databases (gnomAD no frequency). This variant has not been reported in the literature in individuals affected with VCL-related conditions. ClinVar contains an entry for this variant (Variation ID: 1305093). An algorithm developed to predict the effect of missense changes on protein structure and function (PolyPhen-2) suggests that this variant is likely to be tolerated. In summary, the available evidence is currently insufficient to determine the role of this variant in disease. Therefore, it has been classified as a Variant of Uncertain Significance.

Ambry Genetics
Classification: Uncertain significance for Cardiovascular phenotype. Last evaluated: 2021-12-23. Review status: criteria provided, single submitter. Criteria: Ambry Variant Classification Scheme 2023. Collection method: clinical testing. Allele origin: germline.
Comment: The p.D597E variant (also known as c.1791T>A), located in coding exon 13 of the VCL gene, results from a T to A substitution at nucleotide position 1791. The aspartic acid at codon 597 is replaced by glutamic acid, an amino acid with highly similar properties. This amino acid position is conserved. In addition, the in silico prediction for this alteration is inconclusive. Since supporting evidence is limited at this time, the clinical significance of this alteration remains unclear.

GeneDx
Classification: Uncertain significance. Last evaluated: 2019-04-08. Review status: criteria provided, single submitter. Criteria: GeneDx Variant Classification Process June 2021. Collection method: clinical testing. Allele origin: germline. Affected: yes.
Comment: Has not been previously published as pathogenic or benign to our knowledge; Not observed in large population cohorts (Lek et al., 2016); In silico analysis, which includes protein predictors and evolutionary conservation, supports that this variant does not alter protein structure/function